The following is an entry in ClinVar:

ClinVar aggregate classification (germline): Benign. Review status: criteria provided, multiple submitters, no conflicts (2 of 4 stars). 2 submissions from 2 submitters: Benign (2). Last evaluated 2023-11-12.

Allele frequency attached by ClinVar (database versions not stated): 1000 Genomes Project 0.15815; 1000 Genomes Project 30x 0.16318; gnomAD 0.19930 and 0.20232; TOPMed 0.20494.
gnomAD v4.1: 191,879 of 908,108 alleles (21%); highest among the groups gnomAD compares: Admixed American, 28%; 21,622 homozygotes.

Submissions (2):

Unidad de Genómica Garrahan, Hospital de Pediatría Garrahan
Classification: Benign. Last evaluated: 2023-11-12. Review status: criteria provided, single submitter. Criteria: ACMG Guidelines, 2015. Collection method: clinical testing. Allele origin: germline. Affected: no. Observed: 35 variant alleles.
Comment: This variant is classified as Benign based on local population frequency. This variant was detected in 36% of patients studied by a panel of primary immunodeficiencies. Number of patients: 35. Only high quality variants are reported.

GeneDx
Classification: Benign. Last evaluated: 2018-11-27. Review status: criteria provided, single submitter. Criteria: GeneDx Variant Classification Process June 2021. Collection method: clinical testing. Allele origin: germline. Affected: yes.

NM_003664.5(AP3B1):c.1837+109G>A

Gene: AP3B1 (adaptor related protein complex 3 subunit beta 1; minus strand). Cytogenetic location: 5q14.1.
Variant type: single nucleotide variant.
Coding change: c.1837+109G>A on transcript NM_003664.5 (MANE Select); 109 bases into the intron after coding-DNA position 1837, G replaced by A.
Molecular consequence: intron variant.
Genome position (GRCh38, 1-based): chr5:78,129,012, C>T on the plus strand (G>A on the coding strand, the complement: AP3B1 is on the minus strand). VCF-style: chr5-78129012-C-T. GRCh37 (hg19) VCF-style: chr5-77424836-C-T.
Other names: c.1690+109G>A (NM_001271769.2).
Identifiers: ClinVar variation 1246711 (VCV001246711.4), dbSNP rs1422067, ClinGen allele CA16231800.